The following is an entry in ClinVar:

ClinVar aggregate classification (germline): Likely benign. Review status: criteria provided, multiple submitters, no conflicts (2 of 4 stars). 3 submissions from 3 submitters: Likely benign (3). Last evaluated 2026-09-01.

Conditions:
Biotin-responsive basal ganglia disease (BTBGD). Also called: THIAMINE METABOLISM DYSFUNCTION SYNDROME 2 (BIOTIN- AND THIAMINE-RESPONSIVE TYPE); thiamine-responsive encephalopathy; Thiamine Transporter-2 Deficiency; Thiamine metabolism dysfunction syndrome type 2; Thiamine metabolism dysfunction syndrome 2 (biotin- or thiamine-responsive encephalopathy type 2). Identifiers: Orphanet 199348, Orphanet 65284, MedGen C1843807, MONDO:0011841, OMIM 607483.

Allele frequency attached by ClinVar (database versions not stated): gnomAD 0.00001 and 0.00002; TOPMed 0.00002; gnomAD exomes 0.00003; ExAC 0.00005.
gnomAD v4.1: 41 of 1,614,078 alleles (0.0025%); highest among the groups gnomAD compares: Non-Finnish European, 0.0032%; no homozygotes.

Submissions (3):

CeGaT Center for Human Genetics Tuebingen
Classification: Likely benign. Last evaluated: 2026-09-01. Review status: criteria provided, single submitter. Criteria: CeGaT Center For Human Genetics Tuebingen Variant Classification Criteria Version 2. Collection method: clinical testing. Allele origin: germline. Affected: yes. Observed: 2 variant alleles.
Comment: SLC19A3: BP4, BP7

Labcorp Genetics (formerly Invitae), Labcorp
Classification: Likely benign for Biotin-responsive basal ganglia disease. Last evaluated: 2026-01-05. Review status: criteria provided, single submitter. Criteria: Invitae Variant Classification Sherloc (09022015). Collection method: clinical testing. Allele origin: germline.

Blueprint Genetics
Classification: Likely benign. Last evaluated: 2024-06-04. Review status: criteria provided, single submitter. Criteria: ACMG Guidelines, 2015. Collection method: clinical testing. Allele origin: germline.

NM_025243.4(SLC19A3):c.1104T>C (p.Asn368=)

Gene: SLC19A3 (solute carrier family 19 member 3; minus strand). Cytogenetic location: 2q36.3.
Variant type: single nucleotide variant.
Coding change: c.1104T>C on transcript NM_025243.4 (MANE Select); coding-DNA position 1104, T replaced by C.
Protein change: p.Asn368=; no amino-acid change (asparagine 368 retained).
Molecular consequence: synonymous variant.
Genome position (GRCh38, 1-based): chr2:227,695,957, A>G on the plus strand (T>C on the coding strand, the complement: SLC19A3 is on the minus strand). VCF-style: chr2-227695957-A-G. GRCh37 (hg19) VCF-style: chr2-228560673-A-G.
Other names: c.1104T>C, p.Asn368= (NM_001371412.1, NM_001371411.1); c.1092T>C, p.Asn364= (NM_001371413.1, NM_001371414.1).
Identifiers: ClinVar variation 1161951 (VCV001161951.34), dbSNP rs767338710, ClinGen allele CA2149156.